The following is an entry in ClinVar:

NM_004963.4(GUCY2C):c.1168A>T (p.Lys390Ter)

Genes: GUCY2C (guanylate cyclase 2C; minus strand), GUCY2C-AS1 (GUCY2C antisense RNA 1; plus strand). Cytogenetic location: 12p12.3.
Variant type: single nucleotide variant.
Coding change: c.1168A>T on transcript NM_004963.4 (MANE Select); coding-DNA position 1168, A replaced by T.
Protein change: p.Lys390Ter; replaces lysine 390 with a stop codon.
Molecular consequence: nonsense.
Genome position (GRCh38, 1-based): chr12:14,672,875, T>A on the plus strand (A>T on the coding strand, the complement: GUCY2C is on the minus strand). VCF-style: chr12-14672875-T-A. GRCh37 (hg19) VCF-style: chr12-14825809-T-A.
Other names: short protein forms K390*.
Identifiers: ClinVar variation 2020488 (VCV002020488.4), dbSNP rs762336239, ClinGen allele CA6463525.

ClinVar aggregate classification (germline): Uncertain significance (1 of 4 stars; one submission).

Allele frequency attached by ClinVar (database versions not stated): gnomAD exomes below 0.00001; ExAC 0.00001.
gnomAD v4.1: 4 of 1,577,684 alleles (0.00025%); highest among the groups gnomAD compares: Non-Finnish European, 0.00035%; no homozygotes.

Submission:

Labcorp Genetics (formerly Invitae), Labcorp
Classification: Uncertain significance. Last evaluated: 2022-07-30. Review status: criteria provided, single submitter. Criteria: Invitae Variant Classification Sherloc (09022015). Collection method: clinical testing. Allele origin: germline.
Comment: In summary, the available evidence is currently insufficient to determine the role of this variant in disease. Therefore, it has been classified as a Variant of Uncertain Significance. This sequence change creates a premature translational stop signal (p.Lys390*) in the GUCY2C gene. It is expected to result in an absent or disrupted protein product. However, the current clinical and genetic evidence is not sufficient to establish whether loss-of-function variants in GUCY2C cause disease. This variant is present in population databases (rs762336239, gnomAD 0.0009%). This variant has not been reported in the literature in individuals affected with GUCY2C-related conditions. Algorithms developed to predict the effect of sequence changes on RNA splicing suggest that this variant may disrupt the consensus splice site.